The following is an entry in ClinVar:

ClinVar aggregate classification (germline): Uncertain significance. Review status: criteria provided, multiple submitters, no conflicts (2 of 4 stars). 2 submissions from 2 submitters: Uncertain significance (2). Last evaluated 2023-07-20.

Conditions:
Familial cold autoinflammatory syndrome 3 (FCAS3). Also called: FAMILIAL ATYPICAL COLD URTICARIA; ANTIBODY DEFICIENCY AND IMMUNE DYSREGULATION, PLCG2-ASSOCIATED. Identifiers: Orphanet 300359, MedGen C3280914, MONDO:0013766, OMIM 614468.

Submissions (2):

Revvity Omics, Revvity
Classification: Uncertain significance. Last evaluated: 2023-07-20. Review status: criteria provided, single submitter. Criteria: ACMG Guidelines, 2015. Collection method: clinical testing. Allele origin: germline.

Labcorp Genetics (formerly Invitae), Labcorp
Classification: Uncertain significance for Familial cold autoinflammatory syndrome 3. Last evaluated: 2021-06-25. Review status: criteria provided, single submitter. Criteria: Invitae Variant Classification Sherloc (09022015). Collection method: clinical testing. Allele origin: germline.
Comment: Algorithms developed to predict the effect of sequence changes on RNA splicing suggest that this variant may disrupt the consensus splice site, but this prediction has not been confirmed by published transcriptional studies. In summary, the available evidence is currently insufficient to determine the role of this variant in disease. Therefore, it has been classified as a Variant of Uncertain Significance. This sequence change affects a donor splice site in intron 18 of the PLCG2 gene. It is expected to disrupt RNA splicing. Variants that disrupt the donor or acceptor splice site typically lead to a loss of protein function (PMID: 16199547), however the current clinical and genetic evidence is not sufficient to establish whether loss-of-function variants in PLCG2 cause disease. This variant has not been reported in the literature in individuals with PLCG2-related conditions. This variant is not present in population databases (ExAC no frequency).

Literature cited by the submitters: PubMed 16199547 (cited by Labcorp Genetics (formerly Invitae), Labcorp).

NM_002661.5(PLCG2):c.1934+1G>A

Gene: PLCG2 (phospholipase C gamma 2; plus strand). Cytogenetic location: 16q23.3.
Variant type: single nucleotide variant.
Coding change: c.1934+1G>A on transcript NM_002661.5 (MANE Select); the canonical splice donor site of the intron after coding-DNA position 1934, G replaced by A.
Molecular consequence: splice donor variant.
Genome position (GRCh38, 1-based): chr16:81,910,721, G>A. VCF-style: chr16-81910721-G-A. GRCh37 (hg19) VCF-style: chr16-81944326-G-A.
Identifiers: ClinVar variation 1477437 (VCV001477437.10), dbSNP rs2143658084, ClinGen allele CA396901187.